The following is an entry in ClinVar:

NM_007126.5(VCP):c.1696-3C>T

Gene: VCP (valosin containing protein; minus strand). Cytogenetic location: 9p13.3.
Variant type: single nucleotide variant.
Coding change: c.1696-3C>T on transcript NM_007126.5 (MANE Select); 3 bases into the intron before coding-DNA position 1696, C replaced by T.
Molecular consequence: intron variant.
Genome position (GRCh38, 1-based): chr9:35,059,804, G>A on the plus strand (C>T on the coding strand, the complement: VCP is on the minus strand). VCF-style: chr9-35059804-G-A. GRCh37 (hg19) VCF-style: chr9-35059801-G-A.
Other names: c.1696-3C>T (NM_007126.3); c.1561-3C>T (NM_001354927.2, NM_001354928.2).
Identifiers: ClinVar variation 2931163 (VCV002931163.6), dbSNP rs372638909, ClinGen allele CA5039188.

ClinVar aggregate classification (germline): Uncertain significance. Review status: criteria provided, single submitter (1 of 4 stars). 2 submissions from 2 submitters: Uncertain significance (1). 1 of the submissions does not count toward it. Last evaluated 2025-06-30.

Conditions:
Frontotemporal dementia and/or amyotrophic lateral sclerosis 6 (FTDALS6). Also called: VCP-Related Amyotrophic Lateral Sclerosis/Frontotemporal Dementia; VCP-Related Amyotrophic Lateral Sclerosis. Identifiers: Orphanet 275872, Orphanet 803, MedGen C5436279, MONDO:0013501, OMIM 613954.
Inclusion body myopathy with Paget disease of bone and frontotemporal dementia. Also called: Inclusion body myopathy with early-onset Paget disease and frontotemporal dementia. Identifiers: Orphanet 52430, MedGen C1833662, MONDO:0000507.
VCP-related disorder. Also called: VCP-related disorders; VCP-related condition.

Allele frequency attached by ClinVar (database versions not stated): gnomAD 0.00001; gnomAD exomes 0.00001; TOPMed 0.00001; ExAC 0.00007; ESP Exome Variant Server 0.00008.
gnomAD v4.1: 20 of 1,614,104 alleles (0.0012%); highest among the groups gnomAD compares: Non-Finnish European, 0.0016%; no homozygotes.

Submissions (3):

Labcorp Genetics (formerly Invitae), Labcorp
Classification: Uncertain significance for Inclusion body myopathy with Paget disease of bone and frontotemporal dementia; Frontotemporal dementia and/or amyotrophic lateral sclerosis 6. Last evaluated: 2025-06-30. Review status: criteria provided, single submitter. Criteria: Invitae Variant Classification Sherloc (09022015). Collection method: clinical testing. Allele origin: germline.
Comment: This sequence change falls in intron 13 of the VCP gene. It does not directly change the encoded amino acid sequence of the VCP protein. It affects a nucleotide within the consensus splice site. This variant is present in population databases (rs372638909, gnomAD 0.01%). This variant has been observed in individual(s) with VCP-related conditions (PMID: 32028661). ClinVar contains an entry for this variant (Variation ID: 2931163). Variants that disrupt the consensus splice site are a relatively common cause of aberrant splicing (PMID: 17576681, 9536098). Algorithms developed to predict the effect of sequence changes on RNA splicing suggest that this variant is not likely to affect RNA splicing. In summary, the available evidence is currently insufficient to determine the role of this variant in disease. Therefore, it has been classified as a Variant of Uncertain Significance.

PreventionGenetics, part of Exact Sciences
Classification: Likely benign for VCP-related condition. Last evaluated: 2019-09-24. Review status: no assertion criteria provided. Collection method: clinical testing. Allele origin: germline. Not counted in ClinVar's aggregate classification.
Comment: This variant is classified as likely benign based on ACMG/AMP sequence variant interpretation guidelines (Richards et al. 2015 PMID: 25741868, with internal and published modifications).

Dr. Peter K. Rogan Lab, Western University
No classification provided (evidence only). Condition: Familial cancer of breast. Review status: no classification provided. Collection method: in vitro. Allele origin: not applicable. Functional consequence: retained intron. Not counted in ClinVar's aggregate classification.

Literature cited by the submitters: PubMed 32028661 (cited by Labcorp Genetics (formerly Invitae), Labcorp); PubMed 17576681 (cited by Labcorp Genetics (formerly Invitae), Labcorp); PubMed 9536098 (cited by Labcorp Genetics (formerly Invitae), Labcorp).